The following is an entry in ClinVar:

NM_006618.5(KDM5B):c.3133C>T (p.Arg1045Ter)

Gene: KDM5B (lysine demethylase 5B; minus strand). Cytogenetic location: 1q32.1.
Variant type: single nucleotide variant.
Coding change: c.3133C>T on transcript NM_006618.5 (MANE Select); coding-DNA position 3133, C replaced by T.
Protein change: p.Arg1045Ter; replaces arginine 1045 with a stop codon.
Molecular consequence: nonsense.
Genome position (GRCh38, 1-based): chr1:202,736,344, G>A on the plus strand (C>T on the coding strand, the complement: KDM5B is on the minus strand). VCF-style: chr1-202736344-G-A. GRCh37 (hg19) VCF-style: chr1-202705472-G-A.
Other names: c.3241C>T, p.Arg1081Ter (NM_001314042.2); c.2998C>T, p.Arg1000Ter (NM_001347591.2); c.3118C>T, p.Arg1040Ter (NM_001399817.1); short protein forms R1000*, R1040*, R1045*, R1081*.
Identifiers: ClinVar variation 4822496 (VCV004822496.4).
Genomic context (GRCh38, chr1:202,736,344, plus strand): 5'-CAGCTACTAGGGTTTCCAGTCTTGGCAAAGAATTCAGATGTACGGGGATAGATCGGCCTC[G>A]TGTAACAAGTTCTATGAGTGTGTCTAACACTGGCACACGTCCTCCAGCCTAATAAGTCAA-3'

ClinVar aggregate classification (germline): Pathogenic (1 of 4 stars; one submission).

gnomAD v4.1: 11 of 1,611,350 alleles (0.00068%); highest among the groups gnomAD compares: Admixed American, 0.0034%; no homozygotes.

Submission:

CeGaT Center for Human Genetics Tuebingen
Classification: Pathogenic. Last evaluated: 2026-02-01. Review status: criteria provided, single submitter. Criteria: CeGaT Center For Human Genetics Tuebingen Variant Classification Criteria Version 2. Collection method: clinical testing. Allele origin: germline. Affected: yes. Observed: 1 variant allele.
Comment: KDM5B: PVS1, PM2, PS2:Moderate